The following is an entry in ClinVar:

ClinVar aggregate classification (germline): Likely pathogenic (1 of 4 stars; one submission).

Conditions:
Alport syndrome. Also called: Hemorrhagic familial nephritis; Hemorrhagic hereditary nephritis; Congenital hereditary hematuria. Identifiers: Orphanet 63, MedGen C1567741, MONDO:0018965.

Submission:

Natera, Inc.
Classification: Likely pathogenic for Alport syndrome. Last evaluated: 2025-06-16. Review status: criteria provided, single submitter. Criteria: Natera Variant Classification Schema (03/2026). Collection method: clinical testing. Allele origin: germline.
Comment: The c.3230G>C variant in COL4A3 is a missense variant predicted to cause substitution of glycine to alanine at amino acid 1077. This variant is rare in the general population with a frequency below the threshold expected for the associated phenotype(s). This variant is located in a functionally critical region of the protein. A different variant at the same position has been determined to be Pathogenic or Likely Pathogenic. Computational prediction algorithms indicate this variant is likely to affect gene or protein function. Given the available evidence, this variant is classified as Likely Pathogenic.

NM_000091.5(COL4A3):c.3230G>C (p.Gly1077Ala)

Genes: COL4A3 (collagen type IV alpha 3 chain; plus strand), MFF-DT (MFF divergent transcript; minus strand). Cytogenetic location: 2q36.3.
Variant type: single nucleotide variant.
Coding change: c.3230G>C on transcript NM_000091.5 (MANE Select); coding-DNA position 3230, G replaced by C.
Protein change: p.Gly1077Ala; replaces glycine 1077 with alanine.
Molecular consequence: missense variant.
Genome position (GRCh38, 1-based): chr2:227,293,210, G>C. VCF-style: chr2-227293210-G-C. GRCh37 (hg19) VCF-style: chr2-228157926-G-C.
Other names: short protein forms G1077A.
Identifiers: ClinVar variation 4817241 (VCV004817241.1).